The following is an entry in ClinVar:

NM_006904.7(PRKDC):c.10269G>C (p.Gln3423His)

Gene: PRKDC (protein kinase, DNA-activated, catalytic subunit; minus strand). Cytogenetic location: 8q11.21.
Variant type: single nucleotide variant.
Coding change: c.10269G>C on transcript NM_006904.7 (MANE Select); coding-DNA position 10269, G replaced by C.
Protein change: p.Gln3423His; replaces glutamine 3423 with histidine.
Molecular consequence: missense variant.
Genome position (GRCh38, 1-based): chr8:47,799,238, C>G on the plus strand (G>C on the coding strand, the complement: PRKDC is on the minus strand). VCF-style: chr8-47799238-C-G. GRCh37 (hg19) VCF-style: chr8-48711799-C-G.
Other names: c.10269G>C, p.Gln3423His (NM_001081640.2); short protein forms Q3423H.
Identifiers: ClinVar variation 1363943 (VCV001363943.6), dbSNP rs2154498177, ClinGen allele CA371135193.

ClinVar aggregate classification (germline): Uncertain significance (1 of 4 stars; one submission).

Conditions:
Severe combined immunodeficiency due to DNA-PKcs deficiency. Also called: IMMUNODEFICIENCY 26 WITH NEUROLOGIC ABNORMALITIES; Immunodeficiency 26 with or without neurologic abnormalities. Identifiers: Orphanet 317425, MedGen C4014833, MONDO:0014423, OMIM 615966.

Submission:

Labcorp Genetics (formerly Invitae), Labcorp
Classification: Uncertain significance for Severe combined immunodeficiency due to DNA-PKcs deficiency. Last evaluated: 2022-02-02. Review status: criteria provided, single submitter. Criteria: Invitae Variant Classification Sherloc (09022015). Collection method: clinical testing. Allele origin: germline.
Comment: This variant is not present in population databases (gnomAD no frequency). This sequence change replaces glutamine, which is neutral and polar, with histidine, which is basic and polar, at codon 3423 of the PRKDC protein (p.Gln3423His). This variant has not been reported in the literature in individuals affected with PRKDC-related conditions. Experimental studies and prediction algorithms are not available or were not evaluated, and the functional significance of this variant is currently unknown. In summary, the available evidence is currently insufficient to determine the role of this variant in disease. Therefore, it has been classified as a Variant of Uncertain Significance.